The following is an entry in ClinVar:

NM_001904.4(CTNNB1):c.1524+2T>A

Genes: CTNNB1 (catenin beta 1; plus strand), LOC126806659 (BRD4-independent group 4 enhancer GRCh37_chr3:41274918-41276117; plus strand). Cytogenetic location: 3p22.1.
Variant type: single nucleotide variant.
Coding change: c.1524+2T>A on transcript NM_001904.4 (MANE Select); the canonical splice donor site of the intron after coding-DNA position 1524, T replaced by A.
Molecular consequence: splice donor variant.
Genome position (GRCh38, 1-based): chr3:41,233,869, T>A. VCF-style: chr3-41233869-T-A. GRCh37 (hg19) VCF-style: chr3-41275360-T-A.
Other names: c.1503+2T>A (NM_001330729.2); c.1524+2T>A (NM_001098209.2, NM_001098210.2).
Identifiers: ClinVar variation 1320167 (VCV001320167.1), dbSNP rs878960699, ClinGen allele CA352233952.

ClinVar aggregate classification (germline): Likely pathogenic (1 of 4 stars; one submission).

Conditions:
Severe intellectual disability-progressive spastic diplegia syndrome (NEDSDV). Also called: NEURODEVELOPMENTAL DISORDER WITH SPASTIC DIPLEGIA AND VISUAL DEFECTS; CTNNB1 Neurodevelopmental Disorder. Identifiers: Orphanet 404473, MedGen C3554449, MONDO:0014035, OMIM 615075.

Submission:

3billion
Classification: Likely pathogenic for Severe intellectual disability-progressive spastic diplegia syndrome. Last evaluated: 2021-10-02. Review status: criteria provided, single submitter. Criteria: ACMG Guidelines, 2015. Collection method: clinical testing. Allele origin: unknown. Affected: yes. Observed: 1 heterozygote.
Comment: Canonical splice site: predicted to alter splicing and result in a loss or disruption of normal protein function through nonsense-mediated decay (NMD) or protein truncation. Multiple pathogenic variants are reported downstream of the variant (PVS1_VS). It is not observed in the gnomAD v2.1.1 dataset (PM2). Therefore, this variant is classified as likely pathogenic according to the recommendation of ACMG/AMP guideline.